The following is an entry in ClinVar:

ClinVar aggregate classification (germline): Uncertain significance (1 of 4 stars; one submission).

Conditions:
Bardet-Biedl syndrome (BBS). Identifiers: Orphanet 110, MedGen C0752166, MONDO:0015229.

Allele frequency attached by ClinVar (database versions not stated): gnomAD exomes below 0.00001; ExAC 0.00001.
gnomAD v4.1: 5 of 1,613,928 alleles (0.00031%); highest among the groups gnomAD compares: South Asian, 0.0011%; no homozygotes.

Submission:

Labcorp Genetics (formerly Invitae), Labcorp
Classification: Uncertain significance for Bardet-Biedl syndrome. Last evaluated: 2022-05-16. Review status: criteria provided, single submitter. Criteria: Invitae Variant Classification Sherloc (09022015). Collection method: clinical testing. Allele origin: germline.
Comment: This sequence change replaces tryptophan, which is neutral and slightly polar, with cysteine, which is neutral and slightly polar, at codon 9 of the BBS9 protein (p.Trp9Cys). This variant is present in population databases (rs770310531, gnomAD 0.002%). This variant has not been reported in the literature in individuals affected with BBS9-related conditions. Algorithms developed to predict the effect of missense changes on protein structure and function (SIFT, PolyPhen-2, Align-GVGD) all suggest that this variant is likely to be disruptive. In summary, the available evidence is currently insufficient to determine the role of this variant in disease. Therefore, it has been classified as a Variant of Uncertain Significance.

NM_198428.3(BBS9):c.27G>C (p.Trp9Cys)

Gene: BBS9 (Bardet-Biedl syndrome 9; plus strand). Cytogenetic location: 7p14.3.
Variant type: single nucleotide variant.
Coding change: c.27G>C on transcript NM_198428.3 (MANE Select); coding-DNA position 27, G replaced by C.
Protein change: p.Trp9Cys; replaces tryptophan 9 with cysteine.
Molecular consequence: missense variant. On other transcripts: 5 prime UTR variant (3), non-coding transcript variant (3), intron variant (4).
Genome position (GRCh38, 1-based): chr7:33,146,279, G>C. VCF-style: chr7-33146279-G-C. GRCh37 (hg19) VCF-style: chr7-33185891-G-C.
Other names: c.27G>C, p.Trp9Cys (NM_001033604.2, NM_001033605.2, NM_001348036.1 and 7 more transcripts); c.-275G>C (NM_001348037.3); c.-251G>C (NM_001348038.3, NM_001348039.3); c.-23-6422G>C (NM_001348042.3); c.-189-6422G>C (NM_001348045.3); c.-39+16238G>C (NM_001348046.3, NM_001348044.3); short protein forms W9C.
Identifiers: ClinVar variation 1995074 (VCV001995074.1), dbSNP rs770310531, ClinGen allele CA4213852.